The following is an entry in ClinVar:

ClinVar aggregate classification (germline): Uncertain significance (1 of 4 stars; one submission).

Allele frequency attached by ClinVar (database versions not stated): gnomAD exomes below 0.00001.

Submission:

Labcorp Genetics (formerly Invitae), Labcorp
Classification: Uncertain significance. Last evaluated: 2019-05-08. Review status: criteria provided, single submitter. Criteria: Invitae Variant Classification Sherloc (09022015). Collection method: clinical testing. Allele origin: germline.
Comment: In summary, the available evidence is currently insufficient to determine the role of this variant in disease. Therefore, it has been classified as a Variant of Uncertain Significance. Algorithms developed to predict the effect of missense changes on protein structure and function are either unavailable or do not agree on the potential impact of this missense change (SIFT: "Deleterious"; PolyPhen-2: "Benign"; Align-GVGD: "Class C0"). This variant has been observed in individuals affected with clinical features of leukoencephalopathy with vanishing white matter (PMID: 16807905, 21560189). This variant is not present in population databases (ExAC no frequency). This sequence change replaces glutamic acid with lysine at codon 487 of the EIF2B5 protein (p.Glu487Lys). The glutamic acid residue is moderately conserved and there is a small physicochemical difference between glutamic acid and lysine.

Literature cited by the submitters: PubMed 16807905; PubMed 21560189.

NM_003907.3(EIF2B5):c.1459G>A (p.Glu487Lys)

Gene: EIF2B5 (eukaryotic translation initiation factor 2B subunit epsilon; plus strand). Cytogenetic location: 3q27.1.
Variant type: single nucleotide variant.
Coding change: c.1459G>A on transcript NM_003907.3 (MANE Select); coding-DNA position 1459, G replaced by A.
Protein change: p.Glu487Lys; replaces glutamic acid 487 with lysine.
Molecular consequence: missense variant.
Genome position (GRCh38, 1-based): chr3:184,142,516, G>A. VCF-style: chr3-184142516-G-A. GRCh37 (hg19) VCF-style: chr3-183860304-G-A.
Other names: short protein forms E487K.
Identifiers: ClinVar variation 949493 (VCV000949493.6), dbSNP rs113994081, ClinGen allele CA88843584.